The following is an entry in ClinVar:

ClinVar aggregate classification (germline): Uncertain significance (1 of 4 stars; one submission).

Conditions:
Hereditary cancer-predisposing syndrome. Also called: Neoplastic Syndromes, Hereditary; Tumor predisposition; Hereditary neoplastic syndrome; Hereditary Cancer Syndrome. Identifiers: Orphanet 140162, MedGen C0027672, MeSH D009386, MONDO:0015356.

Submission:

Ambry Genetics
Classification: Uncertain significance for Hereditary cancer-predisposing syndrome. Last evaluated: 2019-05-22. Review status: criteria provided, single submitter. Criteria: Ambry Variant Classification Scheme 2023. Collection method: clinical testing. Allele origin: germline.
Comment: The p.S1526T variant (also known as c.4576T>A), located in coding exon 35 of the TSC2 gene, results from a T to A substitution at nucleotide position 4576. The serine at codon 1526 is replaced by threonine, an amino acid with similar properties. This amino acid position is not well conserved in available vertebrate species. In addition, the in silico prediction for this alteration is inconclusive. Since supporting evidence is limited at this time, the clinical significance of this alteration remains unclear.

NM_000548.5(TSC2):c.4576T>A (p.Ser1526Thr)

Gene: TSC2 (TSC complex subunit 2; plus strand). Cytogenetic location: 16p13.3.
Variant type: single nucleotide variant.
Coding change: c.4576T>A on transcript NM_000548.5 (MANE Select); coding-DNA position 4576, T replaced by A.
Protein change: p.Ser1526Thr; replaces serine 1526 with threonine.
Molecular consequence: missense variant.
Genome position (GRCh38, 1-based): chr16:2,085,236, T>A. VCF-style: chr16-2085236-T-A. GRCh37 (hg19) VCF-style: chr16-2135237-T-A.
Other names: c.4375T>A, p.Ser1459Thr (NM_001077183.3); c.4507T>A, p.Ser1503Thr (NM_001114382.3); c.4267T>A, p.Ser1423Thr (NM_001318827.2); c.4231T>A, p.Ser1411Thr (NM_001318829.2); c.3844T>A, p.Ser1282Thr (NM_001318831.2); c.4408T>A, p.Ser1470Thr (NM_001318832.2); c.4378T>A, p.Ser1460Thr (NM_001363528.2); c.4444T>A, p.Ser1482Thr (NM_001370404.1); and 1 more; short protein forms S1282T, S1411T, S1460T, S1482T, S1503T, S1459T, S1470T, S1483T.
Identifiers: ClinVar variation 825015 (VCV000825015.4), dbSNP rs1596426554, ClinGen allele CA394304356.